The following is an entry in ClinVar:

ClinVar aggregate classification (germline): Uncertain significance. Review status: criteria provided, multiple submitters, no conflicts (2 of 4 stars). 3 submissions from 3 submitters: Uncertain significance (3). Last evaluated 2026-03-10.

Conditions:
Inborn genetic diseases. Identifiers: MedGen C0950123, MeSH D030342.
Early-infantile DEE. Also called: Early infantile epileptic encephalopathy; Early infantile epileptic encephalopathy with suppression bursts; Ohtahara syndrome. Identifiers: Orphanet 1934, MedGen C0393706, MONDO:0800491.

Allele frequency attached by ClinVar (database versions not stated): 1000 Genomes Project 0.00020; gnomAD exomes below 0.00001; gnomAD 0.00003 and 0.00004; 1000 Genomes Project 30x 0.00016.
gnomAD v4.1: 6 of 1,613,420 alleles (0.00037%); highest among the groups gnomAD compares: Admixed American, 0.0033%; no homozygotes.

Submissions (3):

Ambry Genetics
Classification: Uncertain significance for Inborn genetic diseases. Last evaluated: 2026-03-10. Review status: criteria provided, single submitter. Criteria: Ambry Variant Classification Scheme 2023. Collection method: clinical testing. Allele origin: germline.
Comment: The c.930A>T (p.E310D) alteration is located in exon 6 (coding exon 6) of the KCNH5 gene. This alteration results from a A to T substitution at nucleotide position 930, causing the glutamic acid (E) at amino acid position 310 to be replaced by an aspartic acid (D). Based on data from gnomAD, the T allele has an overall frequency of <0.001% (1/249030) total alleles studied. The highest observed frequency was <0.001% (/) of alleles. Based on insufficient or conflicting evidence, the clinical significance of this alteration remains unclear.

Women's Health and Genetics/Laboratory Corporation of America, LabCorp
Classification: Uncertain significance. Last evaluated: 2025-06-04. Review status: criteria provided, single submitter. Criteria: LabCorp Variant Classification Summary - May 2015. Collection method: clinical testing. Allele origin: germline.
Comment: Variant summary: KCNH5 c.930A>T (p.Glu310Asp) results in a conservative amino acid change in the encoded protein sequence. Algorithms developed to predict the effect of missense changes on protein structure and function are either unavailable or do not agree on the potential impact of this missense change. The variant allele was found at a frequency of 4e-06 in 249030 control chromosomes. The available data on variant occurrences in the general population are insufficient to allow any conclusion about variant significance. To our knowledge, no occurrence of c.930A>T in individuals affected with Developmental And Epileptic Encephalopathy-112 and no experimental evidence demonstrating its impact on protein function have been reported. ClinVar contains an entry for this variant (Variation ID: 1040470). Based on the evidence outlined above, the variant was classified as uncertain significance.

Labcorp Genetics (formerly Invitae), Labcorp
Classification: Uncertain significance for Early-infantile DEE. Last evaluated: 2023-11-18. Review status: criteria provided, single submitter. Criteria: Invitae Variant Classification Sherloc (09022015). Collection method: clinical testing. Allele origin: germline.
Comment: This sequence change replaces glutamic acid, which is acidic and polar, with aspartic acid, which is acidic and polar, at codon 310 of the KCNH5 protein (p.Glu310Asp). This variant is not present in population databases (gnomAD no frequency). This variant has not been reported in the literature in individuals affected with KCNH5-related conditions. ClinVar contains an entry for this variant (Variation ID: 1040470). Advanced modeling of protein sequence and biophysical properties (such as structural, functional, and spatial information, amino acid conservation, physicochemical variation, residue mobility, and thermodynamic stability) performed at Invitae indicates that this missense variant is not expected to disrupt KCNH5 protein function with a negative predictive value of 80%. In summary, the available evidence is currently insufficient to determine the role of this variant in disease. Therefore, it has been classified as a Variant of Uncertain Significance.

NM_139318.5(KCNH5):c.930A>T (p.Glu310Asp)

Gene: KCNH5 (potassium voltage-gated channel subfamily H member 5; minus strand). Cytogenetic location: 14q23.2.
Variant type: single nucleotide variant.
Coding change: c.930A>T on transcript NM_139318.5 (MANE Select); coding-DNA position 930, A replaced by T.
Protein change: p.Glu310Asp; replaces glutamic acid 310 with aspartic acid.
Molecular consequence: missense variant.
Genome position (GRCh38, 1-based): chr14:62,980,884, T>A on the plus strand (A>T on the coding strand, the complement: KCNH5 is on the minus strand). VCF-style: chr14-62980884-T-A. GRCh37 (hg19) VCF-style: chr14-63447602-T-A.
Other names: c.930A>T, p.Glu310Asp (NM_172375.3); c.930A>T (NM_139318.3); short protein forms E310D.
Identifiers: ClinVar variation 1040470 (VCV001040470.12), dbSNP rs201960719, ClinGen allele CA262406729.
Genomic context (GRCh38, chr14:62,980,884, plus strand): 5'-CAAAATATATGACCCACAGTACTCAGAAAACCAAAACGAAAAACTTACCTCATCCACATT[T>A]TCAAAGGCATTGATGATGTCATAAGGTAAACAAGACAGCAGATCGATCACAAACCAAGTT-3'
Protein context (NP_647479.2, residues 300-320): CLPYDIINAF[Glu310Asp]NVDEGISSLF